The following is an entry in ClinVar:

ClinVar aggregate classification (germline): Pathogenic (1 of 4 stars; one submission).

Allele frequency attached by ClinVar (database versions not stated): gnomAD exomes below 0.00001.

Submission:

Labcorp Genetics (formerly Invitae), Labcorp
Classification: Pathogenic. Last evaluated: 2022-08-16. Review status: criteria provided, single submitter. Criteria: Invitae Variant Classification Sherloc (09022015). Collection method: clinical testing. Allele origin: germline.
Comment: This variant is present in population databases (no rsID available, gnomAD 0.003%). This sequence change creates a premature translational stop signal (p.Arg145*) in the CYP19A1 gene. It is expected to result in an absent or disrupted protein product. Loss-of-function variants in CYP19A1 are known to be pathogenic (PMID: 14602738, 27086564, 27256151). ClinVar contains an entry for this variant (Variation ID: 1368384). For these reasons, this variant has been classified as Pathogenic. This variant has not been reported in the literature in individuals affected with CYP19A1-related conditions.

Literature cited by the submitters: PubMed 14602738; PubMed 27086564; PubMed 27256151.

NM_000103.4(CYP19A1):c.433C>T (p.Arg145Ter)

Genes: CYP19A1 (cytochrome P450 family 19 subfamily A member 1; minus strand), MIR4713HG (MIR4713 host gene; plus strand), PIRC66 (piwi-interacting RNA cluster 66; plus strand). Cytogenetic location: 15q21.2.
Variant type: single nucleotide variant.
Coding change: c.433C>T on transcript NM_000103.4 (MANE Select); coding-DNA position 433, C replaced by T.
Protein change: p.Arg145Ter; replaces arginine 145 with a stop codon.
Molecular consequence: nonsense.
Genome position (GRCh38, 1-based): chr15:51,227,797, G>A on the plus strand (C>T on the coding strand, the complement: CYP19A1 is on the minus strand). VCF-style: chr15-51227797-G-A. GRCh37 (hg19) VCF-style: chr15-51519994-G-A.
Other names: c.433C>T, p.Arg145Ter (NM_001347248.1, NM_001347249.2, NM_001347250.2 and 7 more transcripts); short protein forms R145*.
Identifiers: ClinVar variation 1368384 (VCV001368384.6), dbSNP rs1359922150, ClinGen allele CA392421064.
Genomic context (GRCh38, chr15:51,227,797, plus strand): 5'-TCATAGACAAAAAAGATTGTAGCTAACTAAGTACCTGCTTACCTTTCATAAAGAAGGGTC[G>A]AGTTGTTTTCCAGAGCTCTGGATTGTTGTTAAATATGATGCCTTTCTCATGCATACCGAT-3'